The following is an entry in ClinVar:

ClinVar aggregate classification (germline): Conflicting classifications of pathogenicity. Review status: criteria provided, conflicting classifications (1 of 4 stars). 6 submissions from 6 submitters: Uncertain significance (1); Benign (1); Likely benign (3). 1 of the submissions does not count toward it. Last evaluated 2026-01-19.

Conditions:
OBSL1-related disorder. Also called: OBSL1-related condition.
3M syndrome 2. Also called: THREE M SYNDROME 2; 3-M Syndrome, OBSL1-Related. Identifiers: Orphanet 2616, MedGen C2752041, MONDO:0013039, OMIM 612921.

Allele frequency attached by ClinVar (database versions not stated): ESP Exome Variant Server 0.00137; gnomAD 0.00177 and 0.00182; gnomAD exomes 0.00014; 1000 Genomes Project 0.00020; ExAC 0.00028; 1000 Genomes Project 30x 0.00047; TOPMed 0.00198.
gnomAD v4.1: 455 of 1,413,566 alleles (0.032%); highest among the groups gnomAD compares: African/African-American, 0.6%; 7 homozygotes.

Submissions (6):

Labcorp Genetics (formerly Invitae), Labcorp
Classification: Likely benign. Last evaluated: 2026-01-19. Review status: criteria provided, single submitter. Criteria: Invitae Variant Classification Sherloc (09022015). Collection method: clinical testing. Allele origin: germline.

CeGaT Center for Human Genetics Tuebingen
Classification: Likely benign. Last evaluated: 2025-07-01. Review status: criteria provided, single submitter. Criteria: CeGaT Center For Human Genetics Tuebingen Variant Classification Criteria Version 2. Collection method: clinical testing. Allele origin: germline. Affected: yes. Observed: 1 variant allele.
Comment: OBSL1: BP4, BP7

Blueprint Genetics
Classification: Likely benign. Last evaluated: 2024-11-08. Review status: criteria provided, single submitter. Criteria: ACMG Guidelines, 2015. Collection method: clinical testing. Allele origin: germline.

Eurofins Ntd Llc (ga)
Classification: Uncertain significance. Last evaluated: 2018-07-03. Review status: criteria provided, single submitter. Criteria: EGL ClinVar v180209 classification definitions. Collection method: clinical testing. Allele origin: germline. Observed: 1 variant allele, 1 heterozygote.

Illumina Laboratory Services, Illumina
Classification: Benign for 3M syndrome 2. Last evaluated: 2018-01-13. Review status: criteria provided, single submitter. Criteria: ICSL Variant Classification Criteria 13 December 2019. Collection method: clinical testing. Allele origin: germline.
Comment: This variant was observed in the ICSL laboratory as part of a predisposition screen in an ostensibly healthy population. It had not been previously curated by ICSL or reported in the Human Gene Mutation Database (HGMD: prior to June 1st, 2018), and was therefore a candidate for classification through an automated scoring system. Utilizing variant allele frequency, disease prevalence and penetrance estimates, and inheritance mode, an automated score was calculated to assess if this variant is too frequent to cause the disease. Based on the score and internal cut-off values, a variant classified as benign is not then subjected to further curation. The score for this variant resulted in a classification of benign for this disease.

PreventionGenetics, part of Exact Sciences
Classification: Benign for OBSL1-related condition. Last evaluated: 2019-07-29. Review status: no assertion criteria provided. Collection method: clinical testing. Allele origin: germline. Not counted in ClinVar's aggregate classification.
Comment: This variant is classified as benign based on ACMG/AMP sequence variant interpretation guidelines (Richards et al. 2015 PMID: 25741868, with internal and published modifications).

NM_015311.3(OBSL1):c.375G>A (p.Glu125=)

Gene: OBSL1 (obscurin like cytoskeletal adaptor 1; minus strand). Cytogenetic location: 2q35.
Variant type: single nucleotide variant.
Coding change: c.375G>A on transcript NM_015311.3 (MANE Select); coding-DNA position 375, G replaced by A.
Protein change: p.Glu125=; no amino-acid change (glutamic acid 125 retained).
Molecular consequence: synonymous variant.
Genome position (GRCh38, 1-based): chr2:219,570,858, C>T on the plus strand (G>A on the coding strand, the complement: OBSL1 is on the minus strand). VCF-style: chr2-219570858-C-T. GRCh37 (hg19) VCF-style: chr2-220435580-C-T.
Other names: c.375G>A, p.Glu125= (NM_001173408.2, NM_001173431.2).
Identifiers: ClinVar variation 597738 (VCV000597738.29), dbSNP rs374656370, ClinGen allele CA2131806.
Genomic context (GRCh38, chr2:219,570,858, plus strand): 5'-CACCTCCGCCCCCCGCAGCACCCACTGGGATCGAGGCCCCGTGAGGAAGACCGGGGCGCC[C>T]TCCCCGGACCCCGGCGATGGCAGCGGGCGCTCGGCGGGCTGCAGCTCGGGGTCGGAGGCC-3'
Protein context (NP_056126.1, residues 115-135): ERPLPSPGSG[Glu125=]GAPVFLTGPR